The following is an entry in ClinVar:

ClinVar aggregate classification (germline): Likely pathogenic (1 of 4 stars; one submission).

Conditions:
Achondrogenesis type II (ACG2). Also called: ACHONDROGENESIS, LANGER-SALDINO TYPE; CHONDROGENESIS IMPERFECTA. Identifiers: Orphanet 932, Orphanet 93296, MedGen C0220685, MONDO:0008702, OMIM 200610.
Legg-Calve-Perthes disease. Also called: PERTHES DISEASE; Avascular necrosis of the capital femoral epiphysis; Osteochondritis deformans; Coxa plana. Identifiers: Orphanet 2380, MedGen C1442965, MONDO:0007885, OMIM 150600, HP:0005743.
Kniest dysplasia. Identifiers: Orphanet 485, MedGen C0265279, MONDO:0007987, OMIM 156550.
Platyspondylic dysplasia, Torrance type (PLSDT). Identifiers: Orphanet 85166, MedGen C1835437, MONDO:0007895, OMIM 151210.
Spondyloepiphyseal dysplasia congenita (SEDC). Also called: SED CONGENITA; SPONDYLOEPIPHYSEAL DYSPLASIA, CONGENITAL TYPE. Identifiers: Orphanet 94068, MedGen C2745959, MONDO:0008471, OMIM 183900.
Spondyloperipheral dysplasia. Also called: Spondyloperipheral dysplasia-short ulna syndrome; SPONDYLOPERIPHERAL DYSPLASIA WITH SHORT ULNA. Identifiers: Orphanet 1856, MedGen C0796173, MONDO:0010078, OMIM 271700.
Spondyloepimetaphyseal dysplasia, Strudwick type (SEMDSTWK). Also called: STRUDWICK SYNDROME; DAPPLED METAPHYSIS SYNDROME. Identifiers: Orphanet 93346, MedGen C0700635, MONDO:0008476, OMIM 184250.

Submission:

New York Genome Center
Classification: Likely pathogenic for Achondrogenesis type II; Kniest dysplasia; Legg-Calve-Perthes disease; Platyspondylic dysplasia, Torrance type; Spondyloepiphyseal dysplasia congenita; Spondyloepimetaphyseal dysplasia, Strudwick type; Spondyloperipheral dysplasia. Last evaluated: 2023-08-28. Review status: criteria provided, single submitter. Criteria: NYGC Assertion Criteria 2020. Collection method: clinical testing. Allele origin: de novo. Affected: yes. Observed: 1 variant allele, 1 heterozygote.
Comment: The c.2356G>A variant identified in COL2A1 has not previously been reported in the literature or public variant repositories (ClinVar and LOVD),and is absent from population databases (gnomAD v2.1.1 and v3.1.2, TOPMed Freeze 8, All of Us), suggesting it is not a common benign variant in the populations represented in those databases. The c.2356G>A is located in exon 36 of this 54-exon gene and predicted to replace a highly conserved glycine amino acid at position 786 with serine (p.(Gly786Ser) and disrupt a Gly-X-Y repeat within the triple helical domain of the encoded protein. In silico predictions are in favor of damaging effect for the p.(Gly789Ser) variant [REVEL = 0.989]; however, there are no functional studies to support or refute these predictions. Based on available evidence this heterozygous presumably de novo c.2356G>A p.(Gly786Ser) variant identified in COL2A1 is classified as Likely Pathogenic.

NM_001844.5(COL2A1):c.2356G>A (p.Gly786Ser)

Gene: COL2A1 (collagen type II alpha 1 chain; minus strand). Cytogenetic location: 12q13.11.
Variant type: single nucleotide variant.
Coding change: c.2356G>A on transcript NM_001844.5 (MANE Select); coding-DNA position 2356, G replaced by A.
Protein change: p.Gly786Ser; replaces glycine 786 with serine.
Molecular consequence: missense variant.
Genome position (GRCh38, 1-based): chr12:47,981,829, C>T on the plus strand (G>A on the coding strand, the complement: COL2A1 is on the minus strand). VCF-style: chr12-47981829-C-T. GRCh37 (hg19) VCF-style: chr12-48375612-C-T.
Other names: c.2149G>A, p.Gly717Ser (NM_033150.3); short protein forms G717S, G786S.
Identifiers: ClinVar variation 4888334 (VCV004888334.1).